The following is an entry in ClinVar:

NM_000548.5(TSC2):c.2497A>T (p.Ile833Phe)

Gene: TSC2 (TSC complex subunit 2; plus strand). Cytogenetic location: 16p13.3.
Variant type: single nucleotide variant.
Coding change: c.2497A>T on transcript NM_000548.5 (MANE Select); coding-DNA position 2497, A replaced by T.
Protein change: p.Ile833Phe; replaces isoleucine 833 with phenylalanine.
Molecular consequence: missense variant. On other transcripts: non-coding transcript variant (5).
Genome position (GRCh38, 1-based): chr16:2,074,341, A>T. VCF-style: chr16-2074341-A-T. GRCh37 (hg19) VCF-style: chr16-2124342-A-T.
Other names: c.2497A>T, p.Ile833Phe (NM_001077183.3, NM_001114382.3, NM_001363528.2 and 6 more transcripts); c.2386A>T, p.Ile796Phe (NM_001318827.2, NM_001406670.1, NM_001406678.1); c.2350A>T, p.Ile784Phe (NM_001318829.2, NM_001406679.1, NM_001406675.1 and 1 more transcripts); c.1897A>T, p.Ile633Phe (NM_001318831.2, NM_001406680.1, NM_001406682.1 and 6 more transcripts); c.2530A>T, p.Ile844Phe (NM_001318832.2); c.2035A>T, p.Ile679Phe (NM_001406681.1); c.895A>T, p.Ile299Phe (NM_001406698.1); c.2587A>T, p.Ile863Phe (NM_001406667.1, NM_001406668.1); and 3 more; short protein forms I784F, I299F, I385F, I844F, I796F, I829F, I833F, I633F.
Identifiers: ClinVar variation 2861492 (VCV002861492.3), dbSNP rs2151354485, ClinGen allele CA394277813.

ClinVar aggregate classification (germline): Uncertain significance (1 of 4 stars; one submission).

Conditions:
Tuberous sclerosis 2 (TSC2). Identifiers: Orphanet 805, MedGen C1860707, MONDO:0013199, OMIM 613254.

Submission:

Labcorp Genetics (formerly Invitae), Labcorp
Classification: Uncertain significance for Tuberous sclerosis 2. Last evaluated: 2023-05-02. Review status: criteria provided, single submitter. Criteria: Invitae Variant Classification Sherloc (09022015). Collection method: clinical testing. Allele origin: germline.
Comment: In summary, the available evidence is currently insufficient to determine the role of this variant in disease. Therefore, it has been classified as a Variant of Uncertain Significance. Advanced modeling of protein sequence and biophysical properties (such as structural, functional, and spatial information, amino acid conservation, physicochemical variation, residue mobility, and thermodynamic stability) performed at Invitae indicates that this missense variant is not expected to disrupt TSC2 protein function. This variant has not been reported in the literature in individuals affected with TSC2-related conditions. This variant is not present in population databases (gnomAD no frequency). This sequence change replaces isoleucine, which is neutral and non-polar, with phenylalanine, which is neutral and non-polar, at codon 833 of the TSC2 protein (p.Ile833Phe).